The following is an entry in ClinVar:

NM_006912.6(RIT1):c.649del (p.Ser217fs)

Gene: RIT1 (Ras like without CAAX 1; minus strand). Cytogenetic location: 1q22.
Variant type: Deletion.
Coding change: c.649del on transcript NM_006912.6 (MANE Select); coding-DNA position 649, one base deleted (T; older notation c.649delT).
Protein change: p.Ser217fs; shifts the reading frame from serine 217.
Molecular consequence: frameshift variant.
Genome position (GRCh38, 1-based): chr1:155,900,399, A deleted on the plus strand (T on the coding strand, the reverse complement: RIT1 is on the minus strand); the first of 2 consecutive A bases (chr1:155,900,399-155,900,400); deleting either gives the same sequence. VCF-style (leftmost placement, unchanged base first): chr1-155900398-GA-G. GRCh37 (hg19) VCF-style: chr1-155870189-GA-G.
Other names: c.541del, p.Ser181fs (NM_001256820.2); c.700del, p.Ser234fs (NM_001256821.2); short protein forms S217fs, S234fs, S181fs.
Identifiers: ClinVar variation 839801 (VCV000839801.7), dbSNP rs1673287696, ClinGen allele CA916082087.

ClinVar aggregate classification (germline): Uncertain significance (1 of 4 stars; one submission).

Conditions:
Noonan syndrome 8 (NS8). Identifiers: Orphanet 648, MedGen C3809233, MONDO:0014143, OMIM 615355.

Submission:

Labcorp Genetics (formerly Invitae), Labcorp
Classification: Uncertain significance for Noonan syndrome 8. Last evaluated: 2025-06-29. Review status: criteria provided, single submitter. Criteria: Invitae Variant Classification Sherloc (09022015). Collection method: clinical testing. Allele origin: germline.
Comment: This sequence change creates a premature translational stop signal (p.Ser217Glnfs*2) in the RIT1 gene. While this is not anticipated to result in nonsense mediated decay, it is expected to disrupt the last 3 amino acid(s) of the RIT1 protein. This variant is not present in population databases (gnomAD no frequency). This premature translational stop signal has been observed in individuals with clinical features of Noonan syndrome (internal data). ClinVar contains an entry for this variant (Variation ID: 839801). In summary, the available evidence is currently insufficient to determine the role of this variant in disease. Therefore, it has been classified as a Variant of Uncertain Significance.